The following is an entry in ClinVar:

NM_000350.3(ABCA4):c.6218G>C (p.Gly2073Ala)

Gene: ABCA4 (ATP binding cassette subfamily A member 4; minus strand). Cytogenetic location: 1p22.1.
Variant type: single nucleotide variant.
Coding change: c.6218G>C on transcript NM_000350.3 (MANE Select); coding-DNA position 6218, G replaced by C.
Protein change: p.Gly2073Ala; replaces glycine 2073 with alanine.
Molecular consequence: missense variant.
Genome position (GRCh38, 1-based): chr1:94,001,922, C>G on the plus strand (G>C on the coding strand, the complement: ABCA4 is on the minus strand). VCF-style: chr1-94001922-C-G. GRCh37 (hg19) VCF-style: chr1-94467478-C-G.
Other names: c.5996G>C, p.Gly1999Ala (NM_001425324.1); short protein forms G2073A, G1999A.
Identifiers: ClinVar variation 429847 (VCV000429847.13), dbSNP rs752850266, ClinGen allele CA956987.

ClinVar aggregate classification (germline): Uncertain significance. Review status: criteria provided, multiple submitters, no conflicts (2 of 4 stars). 5 submissions from 5 submitters: Uncertain significance (5). Last evaluated 2024-10-16.

Conditions:
Cone-rod dystrophy. Also called: Cone/cone-rod dystrophy; Cone-rod degeneration. Identifiers: Orphanet 1872, MedGen C4085590, MONDO:0015993, HP:0000548.

Allele frequency attached by ClinVar (database versions not stated): gnomAD 0.00003 and 0.00004; TOPMed 0.00005; gnomAD exomes 0.00009; ExAC 0.00010.
gnomAD v4.1: 84 of 1,614,112 alleles (0.0052%); highest among the groups gnomAD compares: South Asian, 0.049%; 1 homozygote.

Submissions (5):

Women's Health and Genetics/Laboratory Corporation of America, LabCorp
Classification: Uncertain significance. Last evaluated: 2024-10-16. Review status: criteria provided, single submitter. Criteria: LabCorp Variant Classification Summary - May 2015. Collection method: clinical testing. Allele origin: germline.
Comment: Variant summary: ABCA4 c.6218G>C (p.Gly2073Ala) results in a non-conservative amino acid change located in the ABC transporter-like, ATP-binding domain (IPR003439) of the encoded protein sequence. Five of five in-silico tools predict a damaging effect of the variant on protein function. The variant allele was found at a frequency of 9.1e-05 in 251448 control chromosomes. This frequency is not significantly higher than estimated for a pathogenic variant in ABCA4 causing Retinitis Pigmentosa (9.1e-05 vs 0.0014), allowing no conclusion about variant significance. To our knowledge, no occurrence of c.6218G>C in individuals affected with Retinitis Pigmentosa and no experimental evidence demonstrating its impact on protein function have been reported. ClinVar contains an entry for this variant (Variation ID: 429847). Based on the evidence outlined above, the variant was classified as uncertain significance.

Lab De Baere, Eye and Developmental Genetics Lab, Ghent University
Classification: Uncertain significance for Cone-rod dystrophy. Last evaluated: 2024-10-01. Review status: criteria provided, single submitter. Criteria: ACMG Guidelines, 2015. Collection method: research. Allele origin: inherited. Affected: yes. Observed: 1 variant allele.
Comment: ACMG/AMP guidelines: PM2, PP3

Labcorp Genetics (formerly Invitae), Labcorp
Classification: Uncertain significance. Last evaluated: 2022-10-18. Review status: criteria provided, single submitter. Criteria: Invitae Variant Classification Sherloc (09022015). Collection method: clinical testing. Allele origin: germline.
Comment: This sequence change replaces glycine, which is neutral and non-polar, with alanine, which is neutral and non-polar, at codon 2073 of the ABCA4 protein (p.Gly2073Ala). This variant is present in population databases (rs752850266, gnomAD 0.05%). This variant has not been reported in the literature in individuals affected with ABCA4-related conditions. ClinVar contains an entry for this variant (Variation ID: 429847). Advanced modeling of protein sequence and biophysical properties (such as structural, functional, and spatial information, amino acid conservation, physicochemical variation, residue mobility, and thermodynamic stability) performed at Invitae indicates that this missense variant is expected to disrupt ABCA4 protein function. In summary, the available evidence is currently insufficient to determine the role of this variant in disease. Therefore, it has been classified as a Variant of Uncertain Significance.

Blueprint Genetics
Classification: Uncertain significance. Last evaluated: 2022-06-22. Review status: criteria provided, single submitter. Criteria: ACMG Guidelines, 2015. Collection method: clinical testing. Allele origin: germline.

GeneDx
Classification: Uncertain significance. Last evaluated: 2021-10-06. Review status: criteria provided, single submitter. Criteria: GeneDx Variant Classification Process June 2021. Collection method: clinical testing. Allele origin: germline. Affected: yes.
Comment: In silico analysis supports that this missense variant has a deleterious effect on protein structure/function; Has not been previously published as pathogenic or benign to our knowledge